The following is an entry in ClinVar:

NM_001370259.2(MEN1):c.459delinsAT (p.Asp153fs)

Gene: MEN1 (menin 1; minus strand). Cytogenetic location: 11q13.1.
Variant type: Indel.
Coding change: c.459delinsAT on transcript NM_001370259.2 (MANE Select); coding-DNA position 459, C replaced by AT.
Protein change: p.Asp153fs; shifts the reading frame from aspartic acid 153.
Molecular consequence: frameshift variant. On other transcripts: non-coding transcript variant (4).
Genome position (GRCh38, 1-based): chr11:64,808,086, G replaced by AT on the plus strand (C replaced by AT on the coding strand, the reverse complement: MEN1 is on the minus strand). VCF-style: chr11-64808086-G-AT. GRCh37 (hg19) VCF-style: chr11-64575558-G-AT.
Other names: c.474delinsAT, p.Asp158fs (NM_000244.4, NM_001407145.1, NM_001407150.1 and 5 more transcripts); c.459delinsAT, p.Asp153fs (NM_001370251.2, NM_001370260.2, NM_001370261.2 and 12 more transcripts); short protein forms D153fs, D158fs.
Identifiers: ClinVar variation 3872257 (VCV003872257.1).

ClinVar aggregate classification (germline): Pathogenic (1 of 4 stars; one submission).

Conditions:
Hereditary cancer-predisposing syndrome. Also called: Tumor predisposition; Neoplastic Syndromes, Hereditary; Hereditary Cancer Syndrome; Hereditary neoplastic syndrome. Identifiers: Orphanet 140162, MedGen C0027672, MeSH D009386, MONDO:0015356.

Submission:

Ambry Genetics
Classification: Pathogenic for Hereditary cancer-predisposing syndrome. Last evaluated: 2025-02-25. Review status: criteria provided, single submitter. Criteria: Ambry Variant Classification Scheme 2023. Collection method: clinical testing. Allele origin: germline.
Comment: The c.459delCinsAT pathogenic mutation, located in coding exon 2 of the MEN1 gene, results from the deletion of one nucleotide and insertion of two nucleotides causing a translational frameshift with a predicted alternate stop codon (p.D153Efs*2). This variant is considered to be rare based on population cohorts in the Genome Aggregation Database (gnomAD). This alteration is expected to result in loss of function by premature protein truncation or nonsense-mediated mRNA decay. As such, this alteration is interpreted as a disease-causing mutation.